The following is an entry in ClinVar:

ClinVar aggregate classification (germline): Uncertain significance. Review status: criteria provided, multiple submitters, no conflicts (2 of 4 stars). 2 submissions from 2 submitters: Uncertain significance (2). Last evaluated 2023-05-23.

Conditions:
Familial sleep-related hypermotor epilepsy. Also called: Autosomal Dominant Sleep-Related Hypermotor (Hyperkinetic) Epilepsy. Identifiers: Orphanet 98784, MedGen C3696898, MONDO:0000030.

Allele frequency attached by ClinVar (database versions not stated): gnomAD exomes below 0.00001; TOPMed below 0.00001.
gnomAD v4.1: 1 of 1,614,048 alleles (0.000062%); highest among the groups gnomAD compares: Non-Finnish European, 0.000085%; no homozygotes.

Submissions (2):

GeneDx
Classification: Uncertain significance. Last evaluated: 2023-05-23. Review status: criteria provided, single submitter. Criteria: GeneDx Variant Classification Process June 2021. Collection method: clinical testing. Allele origin: germline. Affected: yes.
Comment: Not observed at significant frequency in large population cohorts (gnomAD); In silico analysis supports that this missense variant has a deleterious effect on protein structure/function; Has not been previously published as pathogenic or benign to our knowledge

Labcorp Genetics (formerly Invitae), Labcorp
Classification: Uncertain significance. Last evaluated: 2022-12-15. Review status: criteria provided, single submitter. Criteria: Invitae Variant Classification Sherloc (09022015). Collection method: clinical testing. Allele origin: germline.
Comment: This variant has not been reported in the literature in individuals affected with CHRNA2-related conditions. In summary, the available evidence is currently insufficient to determine the role of this variant in disease. Therefore, it has been classified as a Variant of Uncertain Significance. Advanced modeling of protein sequence and biophysical properties (such as structural, functional, and spatial information, amino acid conservation, physicochemical variation, residue mobility, and thermodynamic stability) performed at Invitae indicates that this missense variant is not expected to disrupt CHRNA2 protein function. This variant is not present in population databases (gnomAD no frequency). This sequence change replaces aspartic acid, which is acidic and polar, with tyrosine, which is neutral and polar, at codon 126 of the CHRNA2 protein (p.Asp126Tyr).

NM_000742.4(CHRNA2):c.376G>T (p.Asp126Tyr)

Gene: CHRNA2 (cholinergic receptor nicotinic alpha 2 subunit; minus strand). Cytogenetic location: 8p21.2.
Variant type: single nucleotide variant.
Coding change: c.376G>T on transcript NM_000742.4 (MANE Select); coding-DNA position 376, G replaced by T.
Protein change: p.Asp126Tyr; replaces aspartic acid 126 with tyrosine.
Molecular consequence: missense variant. On other transcripts: 5 prime UTR variant (4).
Genome position (GRCh38, 1-based): chr8:27,467,302, C>A on the plus strand (G>T on the coding strand, the complement: CHRNA2 is on the minus strand). VCF-style: chr8-27467302-C-A. GRCh37 (hg19) VCF-style: chr8-27324819-C-A.
Other names: c.376G>T (NM_000742.3); c.331G>T, p.Asp111Tyr (NM_001282455.2); c.-97G>T (NM_001347705.2, NM_001347706.2); c.-83G>T (NM_001347707.2); c.-86G>T (NM_001347708.2); short protein forms D111Y, D126Y.
Identifiers: ClinVar variation 2073196 (VCV002073196.5), dbSNP rs1812727752, ClinGen allele CA370812609.